The following is an entry in ClinVar:

NM_153676.4(USH1C):c.36+1G>A

Gene: USH1C (USH1 protein network component harmonin; minus strand). Cytogenetic location: 11p15.1.
Variant type: single nucleotide variant.
Coding change: c.36+1G>A on transcript NM_153676.4 (MANE Select); the canonical splice donor site of the intron after coding-DNA position 36, G replaced by A.
Molecular consequence: splice donor variant.
Genome position (GRCh38, 1-based): chr11:17,544,271, C>T on the plus strand (G>A on the coding strand, the complement: USH1C is on the minus strand). VCF-style: chr11-17544271-C-T. GRCh37 (hg19) VCF-style: chr11-17565818-C-T.
Other names: c.36+1G>A (NM_005709.4, NM_001297764.2, NM_005709.3).
Identifiers: ClinVar variation 1069539 (VCV001069539.13), dbSNP rs1403777293, ClinGen allele CA379804973.

ClinVar aggregate classification (germline): Pathogenic/Likely pathogenic. Review status: criteria provided, multiple submitters, no conflicts (2 of 4 stars). 4 submissions from 4 submitters: Pathogenic (1); Likely pathogenic (3). Last evaluated 2025-03-31.

Conditions:
Usher syndrome type 1C. Also called: USHER SYNDROME, TYPE I, ACADIAN VARIETY. Identifiers: Orphanet 231169, Orphanet 886, MedGen C1848604, MONDO:0010171, OMIM 276904.
Autosomal recessive nonsyndromic hearing loss 18A. Also called: Deafness, autosomal recessive 18A; DEAFNESS, AUTOSOMAL RECESSIVE 18. Identifiers: Orphanet 90636, MedGen C1865870, MONDO:0011192, OMIM 602092.

Allele frequency attached by ClinVar (database versions not stated): gnomAD exomes below 0.00001; TOPMed 0.00001.
gnomAD v4.1: 2 of 1,614,064 alleles (0.00012%); highest among the groups gnomAD compares: Admixed American, 0.0017%; no homozygotes.

Submissions (4):

Labcorp Genetics (formerly Invitae), Labcorp
Classification: Pathogenic. Last evaluated: 2025-03-31. Review status: criteria provided, single submitter. Criteria: Invitae Variant Classification Sherloc (09022015). Collection method: clinical testing. Allele origin: germline.
Comment: This sequence change affects a donor splice site in intron 1 of the USH1C gene. It is expected to disrupt RNA splicing. Variants that disrupt the donor or acceptor splice site typically lead to a loss of protein function (PMID: 16199547), and loss-of-function variants in USH1C are known to be pathogenic (PMID: 10973247, 17407589, 20301442, 21203349). This variant is present in population databases (no rsID available, gnomAD 0.003%). Disruption of this splice site has been observed in individuals with USH1C-related conditions (PMID: 11139240). ClinVar contains an entry for this variant (Variation ID: 1069539). Algorithms developed to predict the effect of sequence changes on RNA splicing suggest that this variant may disrupt the consensus splice site. For these reasons, this variant has been classified as Pathogenic.

Natera, Inc.
Classification: Likely pathogenic for Usher syndrome type 1C. Last evaluated: 2024-05-30. Review status: criteria provided, single submitter. Criteria: Natera Variant Classification Schema (03/2026). Collection method: clinical testing. Allele origin: germline.
Comment: The c.36+1G>A variant in USH1C is a canonical splice donor site variant predicted to affect pre-mRNA splicing, which may result in an abnormal transcript and altered protein product. This variant is expected to result in nonsense mediated decay, truncation, or a dysfunctional protein product. This variant is rare in the general population with a frequency below the threshold expected for the associated phenotype(s). Given the available evidence, this variant is classified as Likely Pathogenic.

Baylor Genetics
Classification: Likely pathogenic for Autosomal recessive nonsyndromic hearing loss 18A. Last evaluated: 2023-06-29. Review status: criteria provided, single submitter. Criteria: ACMG Guidelines, 2015. Collection method: clinical testing. Allele origin: unknown.

GeneDx
Classification: Likely pathogenic. Last evaluated: 2021-01-25. Review status: criteria provided, single submitter. Criteria: GeneDx Variant Classification Process June 2021. Collection method: clinical testing. Allele origin: germline. Affected: yes.
Comment: Canonical splice site variant predicted to result in an in-frame deletion of a critical region; Not observed at a significant frequency in large population cohorts (Lek et al., 2016); Has not been previously published as pathogenic or benign to our knowledge

Literature cited by the submitters: PubMed 16199547 (cited by Labcorp Genetics (formerly Invitae), Labcorp); PubMed 10973247 (cited by Labcorp Genetics (formerly Invitae), Labcorp); PubMed 17407589 (cited by Labcorp Genetics (formerly Invitae), Labcorp); PubMed 20301442 (cited by Labcorp Genetics (formerly Invitae), Labcorp); PubMed 21203349 (cited by Labcorp Genetics (formerly Invitae), Labcorp); PubMed 11139240 (cited by Labcorp Genetics (formerly Invitae), Labcorp).